The following is an entry in ClinVar:

NM_172351.3(CD46):c.667T>C (p.Cys223Arg)

Gene: CD46 (CD46 molecule; plus strand). Cytogenetic location: 1q32.2.
Variant type: single nucleotide variant.
Coding change: c.667T>C on transcript NM_172351.3 (MANE Select); coding-DNA position 667, T replaced by C.
Protein change: p.Cys223Arg; replaces cysteine 223 with arginine.
Molecular consequence: missense variant.
Genome position (GRCh38, 1-based): chr1:207,761,440, T>C. VCF-style: chr1-207761440-T-C. GRCh37 (hg19) VCF-style: chr1-207934785-T-C.
Other names: c.667T>C, p.Cys223Arg (NM_002389.4, NM_153826.4, NM_172350.3 and 8 more transcripts); short protein forms C223R.
Identifiers: ClinVar variation 4291172 (VCV004291172.1).

ClinVar aggregate classification (germline): Uncertain significance (1 of 4 stars; one submission).

Conditions:
Atypical hemolytic-uremic syndrome. Identifiers: Orphanet 2134, MedGen C2931788, MONDO:0016244.

Submission:

Genomenon, Inc
Classification: Uncertain significance for Atypical hemolytic-uremic syndrome. Last evaluated: 2025-10-02. Review status: criteria provided, single submitter. Criteria: Genomenon Sequence Variant Interpretation Standards. Collection method: curation. Allele origin: germline. Affected: no.
Comment: CD46 p.Cys223Arg (c.667T>C) is a missense variant that changes the amino acid at residue 223 from Cysteine to Arginine. This variant has been reported in the published literature (PMID:36211394). It is absent or not present at a significant frequency in gnomAD. In silico models agree that this variant is possibly or probably damaging. In conclusion, we classify CD46 p.Cys223Arg (c.667T>C) as a variant of uncertain significance.

Literature cited by the submitters: PubMed 36211394.